The following is an entry in ClinVar:

NM_018180.3(DHX32):c.1907G>T (p.Gly636Val)

Genes: BCCIP (BRCA2 and CDKN1A interacting protein; plus strand), DHX32 (DEAH-box helicase 32 (putative); minus strand). Cytogenetic location: 10q26.2.
Variant type: single nucleotide variant.
Coding change: c.1907G>T on transcript NM_018180.3 (MANE Select); coding-DNA position 1907, G replaced by T.
Protein change: p.Gly636Val; replaces glycine 636 with valine.
Molecular consequence: missense variant. On other transcripts: intron variant (2).
Genome position (GRCh38, 1-based): chr10:125,838,362, C>A on the plus strand (G>T on the coding strand, the complement: DHX32 is on the minus strand). VCF-style: chr10-125838362-C-A. GRCh37 (hg19) VCF-style: chr10-127526931-C-A.
Other names: c.775-2893C>A (NM_016567.4, NM_078469.3); short protein forms G636V.
Identifiers: ClinVar variation 4752087 (VCV004752087.1).

ClinVar aggregate classification (germline): Uncertain significance (1 of 4 stars; one submission).

gnomAD v4.1: 6 of 1,597,806 alleles (0.00038%); highest among the groups gnomAD compares: Non-Finnish European, 0.00051%; no homozygotes.

Submission:

Labcorp Genetics (formerly Invitae), Labcorp
Classification: Uncertain significance. Last evaluated: 2025-12-25. Review status: criteria provided, single submitter. Criteria: Invitae Variant Classification Sherloc (09022015). Collection method: clinical testing. Allele origin: germline.
Comment: This sequence change replaces glycine, which is neutral and non-polar, with valine, which is neutral and non-polar, at codon 636 of the DHX32 protein (p.Gly636Val). The frequency data for this variant in the population databases is considered unreliable, as metrics indicate poor data quality at this position in the gnomAD database. This variant has not been reported in the literature in individuals affected with DHX32-related conditions. An algorithm developed to predict the effect of missense changes on protein structure and function (PolyPhen-2) suggests that this variant is likely to be disruptive. In summary, the available evidence is currently insufficient to determine the role of this variant in disease. Therefore, it has been classified as a Variant of Uncertain Significance.